The following is an entry in ClinVar:

ClinVar aggregate classification (germline): Pathogenic (1 of 4 stars; one submission).

Conditions:
Hereditary cancer-predisposing syndrome. Also called: Neoplastic Syndromes, Hereditary; Tumor predisposition; Hereditary neoplastic syndrome; Hereditary Cancer Syndrome. Identifiers: Orphanet 140162, MedGen C0027672, MeSH D009386, MONDO:0015356.

Submission:

Ambry Genetics
Classification: Pathogenic for Hereditary cancer-predisposing syndrome. Last evaluated: 2022-12-23. Review status: criteria provided, single submitter. Criteria: Ambry Variant Classification Scheme 2023. Collection method: clinical testing. Allele origin: germline.
Comment: The c.5501_5504delGTAA pathogenic mutation, located in coding exon 10 of the BRCA2 gene, results from a deletion of 4 nucleotides at nucleotide positions 5501 to 5504, causing a translational frameshift with a predicted alternate stop codon (p.S1834Ifs*5). This alteration is expected to result in loss of function by premature protein truncation or nonsense-mediated mRNA decay. As such, this alteration is interpreted as a disease-causing mutation.

NM_000059.4(BRCA2):c.5501_5504del (p.Ser1834fs)

Gene: BRCA2 (BRCA2 DNA repair associated; plus strand). Cytogenetic location: 13q13.1.
Variant type: Deletion.
Coding change: c.5501_5504del on transcript NM_000059.4 (MANE Select); coding-DNA positions 5501 to 5504, 4 bases deleted (GTAA; older notation c.5501_5504delGTAA).
Protein change: p.Ser1834fs; shifts the reading frame from serine 1834.
Molecular consequence: frameshift variant. On other transcripts: non-coding transcript variant (1), intron variant (2).
Genome position (GRCh38, 1-based): chr13:32,339,856-32,339,859, GTAA deleted; deleting any 4 consecutive bases within chr13:32,339,855-32,339,859 gives the same sequence; the c. name uses the placement nearest the transcript's 3' end. VCF-style (leftmost placement, unchanged base first): chr13-32339854-TAGTA-T. GRCh37 (hg19) VCF-style: chr13-32913991-TAGTA-T.
Other names: c.5501_5504del, p.Ser1834fs (NM_001406719.1, NM_001406720.1); c.1910-4702_1910-4699del (NM_001406721.1); c.425-4702_425-4699del (NM_001406722.1); short protein forms S1834fs.
Identifiers: ClinVar variation 2451513 (VCV002451513.2), dbSNP rs2548530964, ClinGen allele CA2580087599.